The following is an entry in ClinVar:

NM_201384.3(PLEC):c.5508G>A (p.Ala1836=)

Gene: PLEC (plectin; minus strand). Cytogenetic location: 8q24.3.
Variant type: single nucleotide variant.
Coding change: c.5508G>A on transcript NM_201384.3 (MANE Select); coding-DNA position 5508, G replaced by A.
Protein change: p.Ala1836=; no amino-acid change (alanine 1836 retained).
Molecular consequence: synonymous variant.
Genome position (GRCh38, 1-based): chr8:143,924,421, C>T on the plus strand (G>A on the coding strand, the complement: PLEC is on the minus strand). VCF-style: chr8-143924421-C-T. GRCh37 (hg19) VCF-style: chr8-144998589-C-T.
Other names: c.5589G>A, p.Ala1863= (NM_000445.5); c.5466G>A, p.Ala1822= (NM_201378.4); c.5442G>A, p.Ala1814= (NM_201379.3); c.5919G>A, p.Ala1973= (NM_201380.4); c.5412G>A, p.Ala1804= (NM_201381.3); c.5508G>A, p.Ala1836= (NM_201382.4); c.5520G>A, p.Ala1840= (NM_201383.3); c.5589G>A (NM_000445.4).
Identifiers: ClinVar variation 994683 (VCV000994683.43), dbSNP rs782631413, ClinGen allele CA4926341.

ClinVar aggregate classification (germline): Benign/Likely benign. Review status: criteria provided, multiple submitters, no conflicts (2 of 4 stars). 4 submissions from 4 submitters: Benign (1); Likely benign (3). Last evaluated 2026-01-28.

Conditions:
PLEC-related disorder. Also called: PLEC-related disorders; PLEC-related condition.
Autosomal recessive limb-girdle muscular dystrophy type 2Q (LGMDR17). Also called: MUSCULAR DYSTROPHY, LIMB-GIRDLE, AUTOSOMAL RECESSIVE 17. Identifiers: Orphanet 254361, MedGen C3150989, MONDO:0013390, OMIM 613723.
Epidermolysis bullosa simplex 5B, with muscular dystrophy (EBS5B). Also called: Epidermolysis bullosa simplex with muscular dystrophy; EPIDERMOLYSIS BULLOSA SIMPLEX AND LIMB-GIRDLE MUSCULAR DYSTROPHY. Identifiers: Orphanet 257, MedGen C2931072, MONDO:0009181, OMIM 226670.
Epidermolysis bullosa simplex 5C, with pyloric atresia (EBS5C). Also called: PLEC1-Related Epidermolysis Bullosa with Pyloric Atresia; PLEC-Related Epidermolysis Bullosa with Pyloric Atresia; Epidermolysis bullosa simplex with pyloric atresia. Identifiers: Orphanet 158684, MedGen C2677349, MONDO:0012807, OMIM 612138.
Epidermolysis bullosa simplex, Ogna type (EBS5A). Also called: Pidermolysis bullosa simplex 5A, Ogna type; EPIDERMOLYSIS BULLOSA SIMPLEX 5A, OGNA TYPE. Identifiers: Orphanet 79401, MedGen C0432317, MONDO:0007555, OMIM 131950.
Epidermolysis bullosa simplex with nail dystrophy (EBS5D). Identifiers: MedGen C4225309, MONDO:0014661, OMIM 616487.

Allele frequency attached by ClinVar (database versions not stated): gnomAD exomes 0.00007; TOPMed 0.00007; ExAC 0.00013.
gnomAD v4.1: 118 of 1,590,058 alleles (0.0074%); highest among the groups gnomAD compares: East Asian, 0.057%; no homozygotes.

Submissions (4):

PreventionGenetics, part of Exact Sciences
Classification: Likely benign for PLEC-related condition. Last evaluated: 2026-01-28. Review status: criteria provided, single submitter. Criteria: ACMG Guidelines, 2015. Collection method: clinical testing. Allele origin: germline.
Comment: This variant is classified as likely benign based on ACMG/AMP sequence variant interpretation guidelines (Richards et al. 2015 PMID: 25741868, with internal and published modifications).

Labcorp Genetics (formerly Invitae), Labcorp
Classification: Likely benign for Autosomal recessive limb-girdle muscular dystrophy type 2Q; Epidermolysis bullosa simplex, Ogna type; Epidermolysis bullosa simplex with nail dystrophy; Epidermolysis bullosa simplex 5C, with pyloric atresia; Epidermolysis bullosa simplex 5B, with muscular dystrophy. Last evaluated: 2024-12-09. Review status: criteria provided, single submitter. Criteria: Invitae Variant Classification Sherloc (09022015). Collection method: clinical testing. Allele origin: germline.

CeGaT Center for Human Genetics Tuebingen
Classification: Likely benign. Last evaluated: 2021-03-01. Review status: criteria provided, single submitter. Criteria: CeGaT Center For Human Genetics Tuebingen Variant Classification Criteria Version 2. Collection method: clinical testing. Allele origin: germline. Affected: yes. Observed: 1 variant allele.

Athena Diagnostics
Classification: Benign. Last evaluated: 2019-11-20. Review status: criteria provided, single submitter. Criteria: Athena Diagnostics Criteria. Collection method: clinical testing. Allele origin: unknown.